The following is an entry in ClinVar:

ClinVar aggregate classification (germline): Pathogenic. Review status: reviewed by expert panel (3 of 4 stars). 7 submissions from 7 submitters: Pathogenic (1). 6 of the submissions do not count toward it. Last evaluated 2016-09-08.

Conditions:
Hereditary cancer-predisposing syndrome. Also called: Tumor predisposition; Neoplastic Syndromes, Hereditary; Hereditary Cancer Syndrome; Hereditary neoplastic syndrome. Identifiers: Orphanet 140162, MedGen C0027672, MeSH D009386, MONDO:0015356.
Hereditary breast ovarian cancer syndrome. Also called: Hereditary breast and ovarian cancer syndrome (HBOC); Hereditary breast and ovarian cancer syndrome; Hereditary breast and ovarian cancer; Hereditary breast and/or ovarian cancer syndrome; Breast and ovarian cancer; BRCA1- and BRCA2-Associated Hereditary Breast and Ovarian Cancer. Identifiers: Orphanet 145, MedGen C0677776, MeSH D061325, MONDO:0003582. Disease mechanism: loss of function.
Breast-ovarian cancer, familial, susceptibility to, 1 (BROVCA1). Also called: OVARIAN CANCER, SUSCEPTIBILITY TO; BRCA1 Hereditary Breast and Ovarian Cancer. Identifiers: Orphanet 145, MedGen C2676676, MONDO:0011450, OMIM 604370. Disease mechanism: loss of function.

Submissions (7):

Evidence-based Network for the Interpretation of Germline Mutant Alleles (ENIGMA)
Classification: Pathogenic for Breast-ovarian cancer, familial, susceptibility to, 1. Last evaluated: 2016-09-08. Review status: reviewed by expert panel. Criteria: ENIGMA BRCA1/2 Classification Criteria (2015). Collection method: curation. Allele origin: germline.
Comment: Variant allele predicted to encode a truncated non-functional protein.

Molecular Pathology, Peter Maccallum Cancer Centre
Classification: Pathogenic for Breast-ovarian cancer, familial, susceptibility to, 1. Last evaluated: 2025-03-06. Review status: criteria provided, single submitter. Criteria: ACMG Guidelines, 2015. Collection method: clinical testing. Allele origin: germline. Inheritance: Autosomal dominant inheritance. Not counted in ClinVar's aggregate classification.

Labcorp Genetics (formerly Invitae), Labcorp
Classification: Pathogenic for Hereditary breast ovarian cancer syndrome. Last evaluated: 2024-12-02. Review status: criteria provided, single submitter. Criteria: Invitae Variant Classification Sherloc (09022015). Collection method: clinical testing. Allele origin: germline. Not counted in ClinVar's aggregate classification.
Comment: This sequence change creates a premature translational stop signal (p.Tyr422*) in the BRCA1 gene. It is expected to result in an absent or disrupted protein product. Loss-of-function variants in BRCA1 are known to be pathogenic (PMID: 20104584). This variant is not present in population databases (gnomAD no frequency). This premature translational stop signal has been observed in individual(s) with clinical features of hereditary breast and ovarian cancer (HBOC) syndrome (PMID: 28724667, 29446198). ClinVar contains an entry for this variant (Variation ID: 54183). For these reasons, this variant has been classified as Pathogenic.

Color Diagnostics, LLC DBA Color Health
Classification: Pathogenic for Hereditary cancer-predisposing syndrome. Last evaluated: 2020-01-15. Review status: criteria provided, single submitter. Criteria: ACMG Guidelines, 2015. Collection method: clinical testing. Allele origin: germline. Not counted in ClinVar's aggregate classification.
Comment: This variant changes 1 nucleotide in exon 10 of the BRCA1 gene, creating a premature translation stop signal. This variant is expected to result in an absent or non-functional protein product. This variant has not been identified in the general population by the Genome Aggregation Database (gnomAD). Loss of BRCA1 function is a known mechanism of disease. Based on the available evidence, this variant is classified as Pathogenic.

Ambry Genetics
Classification: Pathogenic for Hereditary cancer-predisposing syndrome. Last evaluated: 2017-08-04. Review status: criteria provided, single submitter. Criteria: Ambry Variant Classification Scheme 2023. Collection method: clinical testing. Allele origin: germline. Not counted in ClinVar's aggregate classification.
Comment: The p.Y422* pathogenic mutation (also known as c.1266T>G), located in coding exon 9 of the BRCA1 gene, results from a T to G substitution at nucleotide position 1266. This changes the amino acid from a tyrosine to a stop codon within coding exon 9. This alteration is expected to result in loss of function by premature protein truncation or nonsense-mediated mRNA decay. As such, this alteration is interpreted as a disease-causing mutation.

Consortium of Investigators of Modifiers of BRCA1/2 (CIMBA), c/o University of Cambridge
Classification: Pathogenic for Breast-ovarian cancer, familial, susceptibility to, 1. Last evaluated: 2015-10-02. Review status: criteria provided, single submitter. Criteria: CIMBA Mutation Classification guidelines May 2016. Collection method: clinical testing. Allele origin: germline. Not counted in ClinVar's aggregate classification.

Breast Cancer Information Core (BIC) (BRCA1)
Classification: Pathogenic for Breast-ovarian cancer, familial 1. Last evaluated: 2013-03-25. Review status: no assertion criteria provided. Collection method: clinical testing. Allele origin: germline. Affected: yes. Observed: 3 variant alleles. Not counted in ClinVar's aggregate classification.

Literature cited by the submitters: PubMed 20104584 (cited by Labcorp Genetics (formerly Invitae), Labcorp); PubMed 28724667 (cited by Labcorp Genetics (formerly Invitae), Labcorp); PubMed 29446198 (cited by Labcorp Genetics (formerly Invitae), Labcorp); PubMed 20858050 (cited by Ambry Genetics).

NM_007294.4(BRCA1):c.1266T>G (p.Tyr422Ter)

Gene: BRCA1 (BRCA1 DNA repair associated; minus strand). Cytogenetic location: 17q21.31.
Variant type: single nucleotide variant.
Coding change: c.1266T>G on transcript NM_007294.4 (MANE Select); coding-DNA position 1266, T replaced by G.
Protein change: p.Tyr422Ter; replaces tyrosine 422 with a stop codon.
Molecular consequence: nonsense. On other transcripts: intron variant (137).
Genome position (GRCh38, 1-based): chr17:43,094,265, A>C on the plus strand (T>G on the coding strand, the complement: BRCA1 is on the minus strand). VCF-style: chr17-43094265-A-C. GRCh37 (hg19) VCF-style: chr17-41246282-A-C.
Other names: c.1053T>G, p.Tyr351Ter (NM_001407571.1, NM_001407853.1, NM_001407894.1 and 9 more transcripts); c.1266T>G, p.Tyr422Ter (NM_001407581.1, NM_001407582.1, NM_001407583.1 and 30 more transcripts); c.1263T>G, p.Tyr421Ter (NM_001407587.1, NM_001407590.1, NM_001407591.1 and 22 more transcripts); c.1257T>G, p.Tyr419Ter (NM_001407646.1, NM_001407647.1); c.1143T>G, p.Tyr381Ter (NM_001407648.1, NM_001407664.1, NM_001407665.1 and 19 more transcripts); c.1140T>G, p.Tyr380Ter (NM_001407649.1, NM_001407670.1, NM_001407671.1 and 11 more transcripts); c.1188T>G, p.Tyr396Ter (NM_001407653.1, NM_001407654.1, NM_001407655.1 and 4 more transcripts); c.1185T>G, p.Tyr395Ter (NM_001407659.1, NM_001407660.1, NM_001407661.1 and 1 more transcripts); and 40 more; short protein forms Y422*, Y375*, Y295*, Y354*, Y381*, Y254*, Y294*, Y334*.
Identifiers: ClinVar variation 54183 (VCV000054183.19), dbSNP rs80357417, ClinGen allele CA000836.
Genomic context (GRCh38, chr17:43,094,265, plus strand): 5'-ACATATTAAAGCCTCATGAGGATCACTGGCCAGTAAGTCTATTTTCTCTGAAGAACCAGA[A>C]TATTCATCTACCTCATTTAGAACGTCCAATACATCAGCTACTTTGGCATTTGATTCAGAC-3'